The following is an entry in ClinVar:

NM_001190274.2(FBXO11):c.499A>G (p.Ile167Val)

Gene: FBXO11 (F-box protein 11; minus strand). Cytogenetic location: 2p16.3.
Variant type: single nucleotide variant.
Coding change: c.499A>G on transcript NM_001190274.2 (MANE Select); coding-DNA position 499, A replaced by G.
Protein change: p.Ile167Val; replaces isoleucine 167 with valine.
Molecular consequence: missense variant.
Genome position (GRCh38, 1-based): chr2:47,838,947, T>C on the plus strand (A>G on the coding strand, the complement: FBXO11 is on the minus strand). VCF-style: chr2-47838947-T-C. GRCh37 (hg19) VCF-style: chr2-48066086-T-C.
Other names: c.247A>G, p.Ile83Val (NM_001374325.1, NM_025133.4); short protein forms I167V, I83V.
Identifiers: ClinVar variation 3016692 (VCV003016692.3), dbSNP rs578205553, ClinGen allele CA1650110.

ClinVar aggregate classification (germline): Uncertain significance (1 of 4 stars; one submission).

Allele frequency attached by ClinVar (database versions not stated): ExAC 0.00001; gnomAD 0.00001; 1000 Genomes Project 30x 0.00016; 1000 Genomes Project 0.00020.
gnomAD v4.1: 3 of 1,614,052 alleles (0.00019%); highest among the groups gnomAD compares: South Asian, 0.0022%; no homozygotes.

Submission:

Labcorp Genetics (formerly Invitae), Labcorp
Classification: Uncertain significance. Last evaluated: 2023-12-27. Review status: criteria provided, single submitter. Criteria: Invitae Variant Classification Sherloc (09022015). Collection method: clinical testing. Allele origin: germline.
Comment: This sequence change replaces isoleucine, which is neutral and non-polar, with valine, which is neutral and non-polar, at codon 167 of the FBXO11 protein (p.Ile167Val). This variant is present in population databases (rs578205553, gnomAD 0.003%). This variant has not been reported in the literature in individuals affected with FBXO11-related conditions. An algorithm developed to predict the effect of missense changes on protein structure and function (PolyPhen-2) suggests that this variant is likely to be tolerated. In summary, the available evidence is currently insufficient to determine the role of this variant in disease. Therefore, it has been classified as a Variant of Uncertain Significance.